The following is an entry in ClinVar:

NM_005477.3(HCN4):c.3125C>G (p.Pro1042Arg)

Gene: HCN4 (hyperpolarization activated cyclic nucleotide gated potassium channel 4; minus strand). Cytogenetic location: 15q24.1.
Variant type: single nucleotide variant.
Coding change: c.3125C>G on transcript NM_005477.3 (MANE Select); coding-DNA position 3125, C replaced by G.
Protein change: p.Pro1042Arg; replaces proline 1042 with arginine.
Molecular consequence: missense variant.
Genome position (GRCh38, 1-based): chr15:73,322,968, G>C on the plus strand (C>G on the coding strand, the complement: HCN4 is on the minus strand). VCF-style: chr15-73322968-G-C. GRCh37 (hg19) VCF-style: chr15-73615309-G-C.
Other names: short protein forms P1042R.
Identifiers: ClinVar variation 3636609 (VCV003636609.2).

ClinVar aggregate classification (germline): Uncertain significance (1 of 4 stars; one submission).

Conditions:
Brugada syndrome 8 (BRGDA8). Identifiers: Orphanet 130, MedGen C2751083, MONDO:0013148, OMIM 613123.

Submission:

Labcorp Genetics (formerly Invitae), Labcorp
Classification: Uncertain significance for Brugada syndrome 8. Last evaluated: 2024-04-24. Review status: criteria provided, single submitter. Criteria: Invitae Variant Classification Sherloc (09022015). Collection method: clinical testing. Allele origin: germline.
Comment: This sequence change replaces proline, which is neutral and non-polar, with arginine, which is basic and polar, at codon 1042 of the HCN4 protein (p.Pro1042Arg). This variant is not present in population databases (gnomAD no frequency). This variant has not been reported in the literature in individuals affected with HCN4-related conditions. Advanced modeling of protein sequence and biophysical properties (such as structural, functional, and spatial information, amino acid conservation, physicochemical variation, residue mobility, and thermodynamic stability) performed at Invitae indicates that this missense variant is not expected to disrupt HCN4 protein function with a negative predictive value of 95%. In summary, the available evidence is currently insufficient to determine the role of this variant in disease. Therefore, it has been classified as a Variant of Uncertain Significance.